The following is an entry in ClinVar:

NM_014946.4(SPAST):c.1011_1012dup (p.Ala338fs)

Gene: SPAST (spastin; plus strand). Cytogenetic location: 2p22.3.
Variant type: Duplication.
Coding change: c.1011_1012dup on transcript NM_014946.4 (MANE Select); coding-DNA positions 1011 to 1012, 2 bases duplicated (AG; older notation c.1011_1012dupAG).
Protein change: p.Ala338fs; shifts the reading frame from alanine 338.
Molecular consequence: frameshift variant.
Genome position (GRCh38, 1-based): chr2:32,116,125-32,116,126, AG duplicated. VCF-style (leftmost placement, unchanged base first): chr2-32116124-C-CAG. GRCh37 (hg19) VCF-style: chr2-32341193-C-CAG.
Other names: c.1008_1009dup, p.Ala337fs (NM_001363823.2); c.912_913dup, p.Ala305fs (NM_001363875.2); c.915_916dup, p.Ala306fs (NM_001377959.1, NM_199436.2); short protein forms A305fs, A306fs, A337fs, A338fs.
Identifiers: ClinVar variation 1432187 (VCV001432187.6), dbSNP rs2148734474, ClinGen allele CA2573134500.

ClinVar aggregate classification (germline): Pathogenic (1 of 4 stars; one submission).

Conditions:
Hereditary spastic paraplegia 4. Also called: Spastic paraplegia 4, autosomal dominant; Familial spastic paraplegia autosomal dominant 2; Spastic Paraplegia 4. Identifiers: Orphanet 100985, MedGen C1866855, MONDO:0008438, OMIM 182601.

Submission:

Labcorp Genetics (formerly Invitae), Labcorp
Classification: Pathogenic for Hereditary spastic paraplegia 4. Last evaluated: 2021-01-29. Review status: criteria provided, single submitter. Criteria: Invitae Variant Classification Sherloc (09022015). Collection method: clinical testing. Allele origin: germline.
Comment: For these reasons, this variant has been classified as Pathogenic. This variant has not been reported in the literature in individuals with SPAST-related conditions. This variant is not present in population databases (ExAC no frequency). This sequence change creates a premature translational stop signal (p.Ala338Glufs*8) in the SPAST gene. It is expected to result in an absent or disrupted protein product. Loss-of-function variants in SPAST are known to be pathogenic (PMID: 20932283).

Literature cited by the submitters: PubMed 20932283.